The following is an entry in ClinVar:

NM_006904.7(PRKDC):c.1132G>A (p.Ala378Thr)

Gene: PRKDC (protein kinase, DNA-activated, catalytic subunit; minus strand). Cytogenetic location: 8q11.21.
Variant type: single nucleotide variant.
Coding change: c.1132G>A on transcript NM_006904.7 (MANE Select); coding-DNA position 1132, G replaced by A.
Protein change: p.Ala378Thr; replaces alanine 378 with threonine.
Molecular consequence: missense variant.
Genome position (GRCh38, 1-based): chr8:47,936,499, C>T on the plus strand (G>A on the coding strand, the complement: PRKDC is on the minus strand). VCF-style: chr8-47936499-C-T. GRCh37 (hg19) VCF-style: chr8-48849059-C-T.
Other names: c.1132G>A, p.Ala378Thr (NM_001081640.2); short protein forms A378T.
Identifiers: ClinVar variation 1429690 (VCV001429690.7), dbSNP rs903157181, ClinGen allele CA176166689.
Genomic context (GRCh38, chr8:47,936,499, plus strand): 5'-TGAGGAACATCTGCTTGCAGCGCTGAATGAGCTCAACGTACATGAAGTCAACATCTTTTG[C>T]GTTTATAACCTTGCACGGCTTTAGAAAAGGTAAAACAGAAGTCTTCATCAATCTTATCAA-3'
Protein context (NP_008835.5, residues 368-388): LFAGPCKVIN[Ala378Thr]KDVDFMYVEL

ClinVar aggregate classification (germline): Uncertain significance. Review status: criteria provided, multiple submitters, no conflicts (2 of 4 stars). 2 submissions from 2 submitters: Uncertain significance (2). Last evaluated 2024-04-20.

Conditions:
Severe combined immunodeficiency due to DNA-PKcs deficiency. Also called: IMMUNODEFICIENCY 26 WITH NEUROLOGIC ABNORMALITIES; Immunodeficiency 26 with or without neurologic abnormalities. Identifiers: Orphanet 317425, MedGen C4014833, MONDO:0014423, OMIM 615966.

Allele frequency attached by ClinVar (database versions not stated): gnomAD 0.00001; gnomAD exomes 0.00001; TOPMed 0.00002.
gnomAD v4.1: 15 of 1,613,780 alleles (0.00093%); highest among the groups gnomAD compares: Middle Eastern, 0.016%; no homozygotes.

Submissions (2):

Ambry Genetics
Classification: Uncertain significance. Last evaluated: 2024-04-20. Review status: criteria provided, single submitter. Criteria: Ambry Variant Classification Scheme 2023. Collection method: clinical testing. Allele origin: germline.

Labcorp Genetics (formerly Invitae), Labcorp
Classification: Uncertain significance for Severe combined immunodeficiency due to DNA-PKcs deficiency. Last evaluated: 2023-10-13. Review status: criteria provided, single submitter. Criteria: Invitae Variant Classification Sherloc (09022015). Collection method: clinical testing. Allele origin: germline.
Comment: This sequence change replaces alanine, which is neutral and non-polar, with threonine, which is neutral and polar, at codon 378 of the PRKDC protein (p.Ala378Thr). This variant is not present in population databases (gnomAD no frequency). This variant has not been reported in the literature in individuals affected with PRKDC-related conditions. ClinVar contains an entry for this variant (Variation ID: 1429690). Advanced modeling of protein sequence and biophysical properties (such as structural, functional, and spatial information, amino acid conservation, physicochemical variation, residue mobility, and thermodynamic stability) has been performed at Invitae for this missense variant, however the output from this modeling did not meet the statistical confidence thresholds required to predict the impact of this variant on PRKDC protein function. In summary, the available evidence is currently insufficient to determine the role of this variant in disease. Therefore, it has been classified as a Variant of Uncertain Significance.